The following is an entry in ClinVar:

NM_000081.4(LYST):c.5363A>G (p.His1788Arg)

Gene: LYST (lysosomal trafficking regulator; minus strand). Cytogenetic location: 1q42.3.
Variant type: single nucleotide variant.
Coding change: c.5363A>G on transcript NM_000081.4 (MANE Select); coding-DNA position 5363, A replaced by G.
Protein change: p.His1788Arg; replaces histidine 1788 with arginine.
Molecular consequence: missense variant.
Genome position (GRCh38, 1-based): chr1:235,777,160, T>C on the plus strand (A>G on the coding strand, the complement: LYST is on the minus strand). VCF-style: chr1-235777160-T-C. GRCh37 (hg19) VCF-style: chr1-235940460-T-C.
Other names: c.5363A>G, p.His1788Arg (NM_001301365.1); short protein forms H1788R.
Identifiers: ClinVar variation 2052912 (VCV002052912.1), dbSNP rs763749796, ClinGen allele CA1466643.
Genomic context (GRCh38, chr1:235,777,160, plus strand): 5'-ATTTCGTGCAGAATGCCTTGAATAGTTTTATATTCAGTAGGTTGGAGATTCTTTAGATGA[T>C]GAGGTTCTAATAAGATGCTCTGAACTTCTTTTGAGCTGAAGGGTCTTTGAGAGAGTTGGG-3'
Protein context (NP_000072.2, residues 1778-1798): KEVQSILLEP[His1788Arg]HLKNLQPTEY

ClinVar aggregate classification (germline): Uncertain significance (1 of 4 stars; one submission).

Conditions:
Chédiak-Higashi syndrome (CHS). Also called: Chediak-Higashi Syndrome. Identifiers: Orphanet 167, MedGen C0007965, MONDO:0008963, OMIM 214500.

Allele frequency attached by ClinVar (database versions not stated): TOPMed below 0.00001; ExAC 0.00001; gnomAD exomes 0.00001.
gnomAD v4.1: 17 of 1,613,686 alleles (0.0011%); highest among the groups gnomAD compares: African/African-American, 0.0013%; no homozygotes.

Submission:

Labcorp Genetics (formerly Invitae), Labcorp
Classification: Uncertain significance for Chédiak-Higashi syndrome. Last evaluated: 2022-08-01. Review status: criteria provided, single submitter. Criteria: Invitae Variant Classification Sherloc (09022015). Collection method: clinical testing. Allele origin: germline.
Comment: This sequence change replaces histidine, which is basic and polar, with arginine, which is basic and polar, at codon 1788 of the LYST protein (p.His1788Arg). This variant is present in population databases (rs763749796, gnomAD 0.0009%). This variant has not been reported in the literature in individuals affected with LYST-related conditions. Algorithms developed to predict the effect of missense changes on protein structure and function (SIFT, PolyPhen-2, Align-GVGD) all suggest that this variant is likely to be tolerated. In summary, the available evidence is currently insufficient to determine the role of this variant in disease. Therefore, it has been classified as a Variant of Uncertain Significance.